The following is an entry in ClinVar:

NM_001377265.1(MAPT):c.*1101A>G

Gene: MAPT (microtubule associated protein tau). Cytogenetic location: 17q21.31.
Variant type: single nucleotide variant.
Coding change: c.*1101A>G on transcript NM_001377265.1 (MANE Select); 1101 bases downstream of the stop codon, A replaced by G.
Molecular consequence: 3 prime UTR variant. On other transcripts: non-coding transcript variant (1).
Genome position (GRCh38, 1-based): chr17:46,025,272, A>G. VCF-style: chr17-46025272-A-G. GRCh37 (hg19) VCF-style: chr17-44102638-A-G.
Other names: c.*1101A>G (NM_001123066.4, NM_001123067.4, NM_001203251.2 and 7 more transcripts); c.*84A>G (NM_001377267.1).
Identifiers: ClinVar variation 323669 (VCV000323669.7), dbSNP rs1052590, ClinGen allele CA10645904.

ClinVar aggregate classification (germline): Benign. Review status: criteria provided, multiple submitters, no conflicts (2 of 4 stars). 2 submissions from 2 submitters: Benign (2). Last evaluated 2018-01-13.

Conditions:
MAPT-Related Spectrum Disorders.

Allele frequency attached by ClinVar (database versions not stated): 1000 Genomes Project 30x 0.08542; 1000 Genomes Project 0.08626; gnomAD exomes 0.12340; gnomAD 0.14210 and 0.14499; TOPMed 0.14809.
gnomAD v4.1: 21,856 of 152,430 alleles (14%); highest among the groups gnomAD compares: Non-Finnish European, 22%; 2,141 homozygotes.

Submissions (2):

Illumina Laboratory Services, Illumina
Classification: Benign for MAPT-Related Spectrum Disorders. Last evaluated: 2018-01-13. Review status: criteria provided, single submitter. Criteria: ICSL Variant Classification Criteria 13 December 2019. Collection method: clinical testing. Allele origin: germline.
Comment: This variant was observed in the ICSL laboratory as part of a predisposition screen in an ostensibly healthy population. It had not been previously curated by ICSL or reported in the Human Gene Mutation Database (HGMD: prior to June 1st, 2018), and was therefore a candidate for classification through an automated scoring system. Utilizing variant allele frequency, disease prevalence and penetrance estimates, and inheritance mode, an automated score was calculated to assess if this variant is too frequent to cause the disease. Based on the score and internal cut-off values, a variant classified as benign is not then subjected to further curation. The score for this variant resulted in a classification of benign for this disease.

Breakthrough Genomics
Classification: Benign. Review status: criteria provided, single submitter. Criteria: ACMG Guidelines, 2015. Collection method: not provided. Allele origin: germline. Inheritance: Autosomal recessive inheritance. Affected: yes.